The following is an entry in ClinVar:

ClinVar aggregate classification (germline): Uncertain significance (1 of 4 stars; one submission).

Conditions:
Cardiovascular phenotype. Identifiers: MedGen CN230736.

Submission:

Ambry Genetics
Classification: Uncertain significance for Cardiovascular phenotype. Last evaluated: 2026-02-11. Review status: criteria provided, single submitter. Criteria: Ambry Variant Classification Scheme 2023. Collection method: clinical testing. Allele origin: germline.
Comment: The p.G623D variant (also known as c.1868G>A), located in coding exon 13 of the TRPM4 gene, results from a G to A substitution at nucleotide position 1868. The glycine at codon 623 is replaced by aspartic acid, an amino acid with similar properties. This amino acid position is not well conserved in available vertebrate species. In addition, this alteration is predicted to be tolerated by in silico analysis. Based on the available evidence, the clinical significance of this variant remains unclear.

NM_017636.4(TRPM4):c.1868G>A (p.Gly623Asp)

Gene: TRPM4 (transient receptor potential cation channel subfamily M member 4; plus strand). Cytogenetic location: 19q13.33.
Variant type: single nucleotide variant.
Coding change: c.1868G>A on transcript NM_017636.4 (MANE Select); coding-DNA position 1868, G replaced by A.
Protein change: p.Gly623Asp; replaces glycine 623 with aspartic acid.
Molecular consequence: missense variant.
Genome position (GRCh38, 1-based): chr19:49,188,765, G>A. VCF-style: chr19-49188765-G-A. GRCh37 (hg19) VCF-style: chr19-49692022-G-A.
Other names: c.1868G>A, p.Gly623Asp (NM_001195227.2); c.1523G>A, p.Gly508Asp (NM_001321281.2); c.260G>A, p.Gly87Asp (NM_001321282.2); c.1346G>A, p.Gly449Asp (NM_001321283.2); c.806G>A, p.Gly269Asp (NM_001321285.2); short protein forms G508D, G87D, G269D, G449D, G623D.
Identifiers: ClinVar variation 4844627 (VCV004844627.1).